The following is an entry in ClinVar:

NM_001042432.2(CLN3):c.845_847dup (p.Leu282_Trp283insLeu)

Gene: CLN3 (CLN3 lysosomal/endosomal transmembrane protein, battenin; minus strand). Cytogenetic location: 16p12.1.
Variant type: Duplication.
Coding change: c.845_847dup on transcript NM_001042432.2 (MANE Select); coding-DNA positions 845 to 847, 3 bases duplicated (TGT; older notation c.845_847dupTGT).
Protein change: p.Leu282_Trp283insLeu.
Molecular consequence: inframe insertion.
Genome position (GRCh38, 1-based): chr16:28,482,536-28,482,538, ACA duplicated on the plus strand (TGT on the coding strand, the reverse complement: CLN3 is on the minus strand). VCF-style (leftmost placement, unchanged base first): chr16-28482535-C-CACA. GRCh37 (hg19) VCF-style: chr16-28493856-C-CACA.
Other names: c.845_847dup, p.Leu282_Trp283insLeu (NM_000086.2); c.773_775dup, p.Leu258_Trp259insLeu (NM_001286104.2); c.545_547dup, p.Leu182_Trp183insLeu (NM_001286105.2); c.611_613dup, p.Leu204_Trp205insLeu (NM_001286109.2); c.683_685dup, p.Leu228_Trp229insLeu (NM_001286110.2).
Identifiers: ClinVar variation 2023002 (VCV002023002.4), dbSNP rs2506454065, ClinGen allele CA2580091412.

ClinVar aggregate classification (germline): Uncertain significance (1 of 4 stars; one submission).

Conditions:
Neuronal ceroid lipofuscinosis. Also called: Neuronal Ceroid Lipofuscinoses. Identifiers: Orphanet 216, Orphanet 79263, MedGen C0027877, MONDO:0016295. Disease mechanism: loss of function.

Submission:

Labcorp Genetics (formerly Invitae), Labcorp
Classification: Uncertain significance for Neuronal ceroid lipofuscinosis. Last evaluated: 2022-08-09. Review status: criteria provided, single submitter. Criteria: Invitae Variant Classification Sherloc (09022015). Collection method: clinical testing. Allele origin: germline.
Comment: In summary, the available evidence is currently insufficient to determine the role of this variant in disease. Therefore, it has been classified as a Variant of Uncertain Significance. Experimental studies and prediction algorithms are not available or were not evaluated, and the functional significance of this variant is currently unknown. This variant, c.845_847dup, results in the insertion of 1 amino acid(s) of the CLN3 protein (p.Leu282dup), but otherwise preserves the integrity of the reading frame. This variant is not present in population databases (gnomAD no frequency). This variant has not been reported in the literature in individuals affected with CLN3-related conditions.